The following is an entry in ClinVar:

ClinVar aggregate classification (germline): Pathogenic (1 of 4 stars; one submission).

Submission:

Labcorp Genetics (formerly Invitae), Labcorp
Classification: Pathogenic. Last evaluated: 2022-03-13. Review status: criteria provided, single submitter. Criteria: Invitae Variant Classification Sherloc (09022015). Collection method: clinical testing. Allele origin: germline.
Comment: For these reasons, this variant has been classified as Pathogenic. This variant has not been reported in the literature in individuals affected with COL18A1-related conditions. Information on the frequency of this variant in the gnomAD database is not available, as this variant may be reported differently in the database. This sequence change creates a premature translational stop signal (p.Arg1147*) in the COL18A1 gene. It is expected to result in an absent or disrupted protein product. Loss-of-function variants in COL18A1 are known to be pathogenic (PMID: 12415512, 25456301).

Literature cited by the submitters: PubMed 12415512; PubMed 25456301.

NM_001379500.1(COL18A1):c.3447_3448delinsAT (p.Arg1150Ter)

Genes: SLC19A1 (solute carrier family 19 member 1; minus strand), COL18A1 (collagen type XVIII alpha 1 chain; plus strand). Cytogenetic location: 21q22.3.
Variant type: Indel.
Coding change: c.3447_3448delinsAT on transcript NM_001379500.1 (MANE Select); coding-DNA positions 3447 to 3448, GC replaced by AT.
Protein change: p.Arg1150Ter; replaces arginine 1150 with a stop codon.
Molecular consequence: nonsense.
Genome position (GRCh38, 1-based): chr21:45,509,553-45,509,554, GC replaced by AT. VCF-style: chr21-45509553-GC-AT. GRCh37 (hg19) VCF-style: chr21-46929467-GC-AT.
Other names: c.3978_3979delinsAT, p.Arg1327Ter (NM_030582.4); c.4683_4684delinsAT, p.Arg1562Ter (NM_130444.3); short protein forms R1562*, R1327*, R1150*.
Identifiers: ClinVar variation 2111410 (VCV002111410.4), dbSNP rs2146121253, ClinGen allele CA2580098921.